The following is an entry in ClinVar:

ClinVar aggregate classification (germline): Uncertain significance (1 of 4 stars; one submission).

Conditions:
Dilated cardiomyopathy 1G (CMD1G). Identifiers: Orphanet 154, MedGen C1858763, MONDO:0011400, OMIM 604145.
Autosomal recessive limb-girdle muscular dystrophy type 2J (LGMDR10). Also called: Limb-girdle muscular dystrophy, type 2J; MUSCULAR DYSTROPHY, LIMB-GIRDLE, AUTOSOMAL RECESSIVE 10. Identifiers: Orphanet 140922, MedGen C1837342, MONDO:0012127, OMIM 608807.

Submission:

Labcorp Genetics (formerly Invitae), Labcorp
Classification: Uncertain significance for Dilated cardiomyopathy 1G; Autosomal recessive limb-girdle muscular dystrophy type 2J. Last evaluated: 2024-09-23. Review status: criteria provided, single submitter. Criteria: Invitae Variant Classification Sherloc (09022015). Collection method: clinical testing. Allele origin: germline.
Comment: This sequence change replaces threonine, which is neutral and polar, with alanine, which is neutral and non-polar, at codon 35786 of the TTN protein (p.Thr35786Ala). This variant is not present in population databases (gnomAD no frequency). This variant has not been reported in the literature in individuals affected with TTN-related conditions. Experimental studies and prediction algorithms are not available or were not evaluated, and the functional significance of this variant is currently unknown. This variant is located in the M band of TTN (PMID: 25589632). Non-truncating variants in this region may be relevant for neuromuscular disorders, but have not been definitively shown to cause cardiomyopathy (PMID: 23975875). In summary, the available evidence is currently insufficient to determine the role of this variant in disease. Therefore, it has been classified as a Variant of Uncertain Significance.

Literature cited by the submitters: PubMed 25589632; PubMed 23975875.

NM_001267550.2(TTN):c.107356A>G (p.Thr35786Ala)

Genes: TTN (titin; minus strand), TTN-AS1 (TTN antisense RNA 1; plus strand). Cytogenetic location: 2q31.2.
Variant type: single nucleotide variant.
Coding change: c.107356A>G on transcript NM_001267550.2 (MANE Select); coding-DNA position 107356, A replaced by G.
Protein change: p.Thr35786Ala; replaces threonine 35786 with alanine.
Molecular consequence: missense variant.
Genome position (GRCh38, 1-based): chr2:178,528,295, T>C on the plus strand (A>G on the coding strand, the complement: TTN is on the minus strand). VCF-style: chr2-178528295-T-C. GRCh37 (hg19) VCF-style: chr2-179393022-T-C.
Other names: c.102433A>G, p.Thr34145Ala (NM_001256850.1); c.80161A>G, p.Thr26721Ala (NM_003319.4); c.99652A>G, p.Thr33218Ala (NM_133378.4); c.80536A>G, p.Thr26846Ala (NM_133432.3); c.80737A>G, p.Thr26913Ala (NM_133437.4); short protein forms T26721A, T26846A, T26913A, T33218A, T34145A, T35786A.
Identifiers: ClinVar variation 3757361 (VCV003757361.2).